The following is an entry in ClinVar:

NM_025114.4(CEP290):c.4303-7T>C

Gene: CEP290 (centrosomal protein 290; minus strand). Cytogenetic location: 12q21.32.
Variant type: single nucleotide variant.
Coding change: c.4303-7T>C on transcript NM_025114.4 (MANE Select); 7 bases into the intron before coding-DNA position 4303, T replaced by C.
Molecular consequence: intron variant.
Genome position (GRCh38, 1-based): chr12:88,086,180, A>G on the plus strand (T>C on the coding strand, the complement: CEP290 is on the minus strand). VCF-style: chr12-88086180-A-G. GRCh37 (hg19) VCF-style: chr12-88479957-A-G.
Other names: c.4303-7T>C (NM_025114.3).
Identifiers: ClinVar variation 2184322 (VCV002184322.6), dbSNP rs368961895, ClinGen allele CA6711972.

ClinVar aggregate classification (germline): Likely benign. Review status: criteria provided, single submitter (1 of 4 stars). 2 submissions from 2 submitters: Likely benign (1). 1 of the submissions does not count toward it. Last evaluated 2025-04-20.

Conditions:
Joubert syndrome. Also called: CEREBELLOPARENCHYMAL DISORDER IV; JOUBERT-BOLTSHAUSER SYNDROME; Familial aplasia of the vermis. Identifiers: Orphanet 475, MedGen C5979921, MONDO:0018772.
Nephronophthisis. Also called: Juvenile Nephronophthisis. Identifiers: Orphanet 655, MedGen C0687120, MONDO:0019005, HP:0000090.
Meckel-Gruber syndrome. Also called: DYSENCEPHALIA SPLANCHNOCYSTICA; GRUBER SYNDROME; Dysencephalia splachnocystica. Identifiers: Orphanet 564, MedGen C0265215, MONDO:0018921.
CEP290-related disorder. Also called: CEP290-related condition; CEP290-related disorders. Identifiers: MedGen CN239314.

Allele frequency attached by ClinVar (database versions not stated): gnomAD 0.00001; gnomAD exomes 0.00001; TOPMed 0.00002; ExAC 0.00003; ESP Exome Variant Server 0.00017.
gnomAD v4.1: 4 of 1,603,460 alleles (0.00025%); highest among the groups gnomAD compares: African/African-American, 0.0054%; no homozygotes.

Submissions (2):

Labcorp Genetics (formerly Invitae), Labcorp
Classification: Likely benign for Joubert syndrome; Meckel-Gruber syndrome; Nephronophthisis. Last evaluated: 2025-04-20. Review status: criteria provided, single submitter. Criteria: Invitae Variant Classification Sherloc (09022015). Collection method: clinical testing. Allele origin: germline.

PreventionGenetics, part of Exact Sciences
Classification: Likely benign for CEP290-related condition. Last evaluated: 2021-12-07. Review status: no assertion criteria provided. Collection method: clinical testing. Allele origin: germline. Not counted in ClinVar's aggregate classification.
Comment: This variant is classified as likely benign based on ACMG/AMP sequence variant interpretation guidelines (Richards et al. 2015 PMID: 25741868, with internal and published modifications).